The following is an entry in ClinVar:

ClinVar aggregate classification (germline): Uncertain significance (1 of 4 stars; one submission).

gnomAD v4.1: 3 of 1,614,128 alleles (0.00019%); highest among the groups gnomAD compares: Non-Finnish European, 0.00025%; no homozygotes.

Submission:

Ambry Genetics
Classification: Uncertain significance. Last evaluated: 2021-11-14. Review status: criteria provided, single submitter. Criteria: Ambry Variant Classification Scheme 2023. Collection method: clinical testing. Allele origin: germline.
Comment: The p.K1043Q variant (also known as c.3127A>C), located in coding exon 26 of the A2ML1 gene, results from an A to C substitution at nucleotide position 3127. The lysine at codon 1043 is replaced by glutamine, an amino acid with similar properties. This amino acid position is conserved. In addition, this alteration is predicted to be tolerated by in silico analysis. Since supporting evidence is limited at this time, the clinical significance of this alteration remains unclear.

NM_144670.6(A2ML1):c.3127A>C (p.Lys1043Gln)

Gene: A2ML1 (alpha-2-macroglobulin like 1; plus strand). Cytogenetic location: 12p13.31.
Variant type: single nucleotide variant.
Coding change: c.3127A>C on transcript NM_144670.6 (MANE Select); coding-DNA position 3127, A replaced by C.
Protein change: p.Lys1043Gln; replaces lysine 1043 with glutamine.
Molecular consequence: missense variant.
Genome position (GRCh38, 1-based): chr12:8,857,965, A>C. VCF-style: chr12-8857965-A-C. GRCh37 (hg19) VCF-style: chr12-9010561-A-C.
Other names: c.1654A>C, p.Lys552Gln (NM_001282424.3); short protein forms K1043Q, K552Q.
Identifiers: ClinVar variation 1727905 (VCV001727905.2), dbSNP rs774071085, ClinGen allele CA383837887.